The following is an entry in ClinVar:

NC_000011.9:g.(?_18418390)_(19213995_?)del

Genes: CSRP3 (cysteine and glycine rich protein 3; minus strand), IGSF22 (immunoglobulin superfamily member 22; minus strand), LDHA (lactate dehydrogenase A; plus strand), LDHAL6A (lactate dehydrogenase A like 6A; plus strand), LDHC (lactate dehydrogenase C; plus strand) and 8 more. Cytogenetic location: 11p15.1.
Variant type: Deletion.
Identifiers: ClinVar variation 3244681 (VCV003244681.1).

ClinVar aggregate classification (germline): Pathogenic (1 of 4 stars; one submission).

Conditions:
Dilated cardiomyopathy 1M (CMD1M). Identifiers: Orphanet 154, MedGen C1843808, MONDO:0011840, OMIM 607482.
Hypertrophic cardiomyopathy 12. Identifiers: MedGen C2677491, MONDO:0012804, OMIM 612124.

Submission:

Labcorp Genetics (formerly Invitae), Labcorp
Classification: Pathogenic for Hypertrophic cardiomyopathy 12; Dilated cardiomyopathy 1M. Last evaluated: 2023-02-06. Review status: criteria provided, single submitter. Criteria: Invitae Variant Classification Sherloc (09022015). Collection method: clinical testing. Allele origin: unknown.
Comment: A gross deletion of the genomic region encompassing the full coding sequence of the CSRP3 gene has been identified. Loss-of-function variants in CSRP3 are known to be pathogenic (PMID: 12642359, 14567970, 16352453, 20087448, 34558151). The boundaries of this event are unknown as they extend beyond the assayed region for this gene and therefore may encompass additional genes. This variant has not been reported in the literature in individuals affected with CSRP3-related conditions. For these reasons, this variant has been classified as Pathogenic.

Literature cited by the submitters: PubMed 12642359; PubMed 14567970; PubMed 16352453; PubMed 20087448; PubMed 34558151.